The following is an entry in ClinVar:

NM_006885.4(ZFHX3):c.2989G>T (p.Ala997Ser)

Gene: ZFHX3 (zinc finger homeobox 3; minus strand). Cytogenetic location: 16q22.3.
Variant type: single nucleotide variant.
Coding change: c.2989G>T on transcript NM_006885.4 (MANE Select); coding-DNA position 2989, G replaced by T.
Protein change: p.Ala997Ser; replaces alanine 997 with serine.
Molecular consequence: missense variant.
Genome position (GRCh38, 1-based): chr16:72,950,696, C>A on the plus strand (G>T on the coding strand, the complement: ZFHX3 is on the minus strand). VCF-style: chr16-72950696-C-A. GRCh37 (hg19) VCF-style: chr16-72984595-C-A.
Other names: c.247G>T, p.Ala83Ser (NM_001164766.2); c.2989G>T, p.Ala997Ser (NM_001386735.1); short protein forms A83S, A997S.
Identifiers: ClinVar variation 3037948 (VCV003037948.2), dbSNP rs2213978, ClinGen allele CA8164234.

ClinVar aggregate classification (germline): Benign (0 of 4 stars; one submission).

Conditions:
ZFHX3-related disorder. Also called: ZFHX3-related condition.

Allele frequency attached by ClinVar (database versions not stated): 1000 Genomes Project 0.00639; 1000 Genomes Project 30x 0.00687; ExAC 0.01134; gnomAD 0.01204; TOPMed 0.01274; ESP Exome Variant Server 0.01477; gnomAD exomes 0.01831.
gnomAD v4.1: 28,649 of 1,614,192 alleles (1.8%); highest among the groups gnomAD compares: Non-Finnish European, 2.2%; 356 homozygotes.

Submission:

PreventionGenetics, part of Exact Sciences
Classification: Benign for ZFHX3-related condition. Last evaluated: 2019-05-21. Review status: no assertion criteria provided. Collection method: clinical testing. Allele origin: germline.
Comment: This variant is classified as benign based on ACMG/AMP sequence variant interpretation guidelines (Richards et al. 2015 PMID: 25741868, with internal and published modifications).